The following is an entry in ClinVar:

NM_001370466.1(NOD2):c.2625G>T (p.Gln875His)

Gene: NOD2 (nucleotide binding oligomerization domain containing 2; plus strand). Cytogenetic location: 16q12.1.
Variant type: single nucleotide variant.
Coding change: c.2625G>T on transcript NM_001370466.1 (MANE Select); coding-DNA position 2625, G replaced by T.
Protein change: p.Gln875His; replaces glutamine 875 with histidine.
Molecular consequence: missense variant. On other transcripts: non-coding transcript variant (1).
Genome position (GRCh38, 1-based): chr16:50,720,000, G>T. VCF-style: chr16-50720000-G-T. GRCh37 (hg19) VCF-style: chr16-50753911-G-T.
Other names: c.2625G>T, p.Gln875His (NM_001293557.2); c.2706G>T, p.Gln902His (NM_022162.3); c.2706G>T (NM_022162.1); short protein forms Q902H, Q875H.
Identifiers: ClinVar variation 1397194 (VCV001397194.9), dbSNP rs200428513, ClinGen allele CA8051930.

ClinVar aggregate classification (germline): Uncertain significance. Review status: criteria provided, multiple submitters, no conflicts (2 of 4 stars). 2 submissions from 2 submitters: Uncertain significance (2). Last evaluated 2025-12-15.

Conditions:
Regional enteritis. Also called: Enteritis, Granulomatous. Identifiers: MedGen C0678202, MeSH D003424.
Blau syndrome (BLAUS). Also called: GRANULOMATOSIS, FAMILIAL JUVENILE SYSTEMIC; GRANULOMATOSIS, FAMILIAL, BLAU TYPE; GRANULOMATOUS INFLAMMATORY ARTHRITIS, DERMATITIS, AND UVEITIS, FAMILIAL; JABS SYNDROME; ARTHROCUTANEOUVEAL GRANULOMATOSIS. Identifiers: Orphanet 90340, MedGen C5201146, MONDO:0008523, OMIM 186580.
Inborn genetic diseases. Identifiers: MedGen C0950123, MeSH D030342.

Allele frequency attached by ClinVar (database versions not stated): 1000 Genomes Project 0.00020; 1000 Genomes Project 30x 0.00031.
gnomAD v4.1: 17 of 1,614,142 alleles (0.0011%); highest among the groups gnomAD compares: Admixed American, 0.022%; no homozygotes.

Submissions (2):

Labcorp Genetics (formerly Invitae), Labcorp
Classification: Uncertain significance for Regional enteritis; Blau syndrome. Last evaluated: 2025-12-15. Review status: criteria provided, single submitter. Criteria: Invitae Variant Classification Sherloc (09022015). Collection method: clinical testing. Allele origin: germline.
Comment: This sequence change replaces glutamine, which is neutral and polar, with histidine, which is basic and polar, at codon 902 of the NOD2 protein (p.Gln902His). This variant is present in population databases (rs200428513, gnomAD 0.01%). This variant has not been reported in the literature in individuals affected with NOD2-related conditions. ClinVar contains an entry for this variant (Variation ID: 1397194). Invitae Evidence Modeling of protein sequence and biophysical properties (such as structural, functional, and spatial information, amino acid conservation, physicochemical variation, residue mobility, and thermodynamic stability) has been performed for this missense variant. However, the output from this modeling did not meet the statistical confidence thresholds required to predict the impact of this variant on NOD2 protein function. In summary, the available evidence is currently insufficient to determine the role of this variant in disease. Therefore, it has been classified as a Variant of Uncertain Significance.

Ambry Genetics
Classification: Uncertain significance for Inborn genetic diseases. Last evaluated: 2025-02-08. Review status: criteria provided, single submitter. Criteria: Ambry Variant Classification Scheme 2023. Collection method: clinical testing. Allele origin: germline.